The following is an entry in ClinVar:

ClinVar aggregate classification (germline): Uncertain significance (1 of 4 stars; one submission).

Allele frequency attached by ClinVar (database versions not stated): ExAC 0.00001; gnomAD 0.00001; gnomAD exomes 0.00001; TOPMed 0.00001; 1000 Genomes Project 30x 0.00016; 1000 Genomes Project 0.00020.
gnomAD v4.1: 4 of 1,613,894 alleles (0.00025%); highest among the groups gnomAD compares: Admixed American, 0.0017%; no homozygotes.

Submission:

Labcorp Genetics (formerly Invitae), Labcorp
Classification: Uncertain significance. Last evaluated: 2023-04-25. Review status: criteria provided, single submitter. Criteria: Invitae Variant Classification Sherloc (09022015). Collection method: clinical testing. Allele origin: germline.
Comment: In summary, the available evidence is currently insufficient to determine the role of this variant in disease. Therefore, it has been classified as a Variant of Uncertain Significance. An algorithm developed to predict the effect of missense changes on protein structure and function (PolyPhen-2) suggests that this variant is likely to be tolerated. This variant has not been reported in the literature in individuals affected with VCAN-related conditions. This variant is present in population databases (rs566818429, gnomAD 0.003%). This sequence change replaces aspartic acid, which is acidic and polar, with valine, which is neutral and non-polar, at codon 1377 of the VCAN protein (p.Asp1377Val).

NM_004385.5(VCAN):c.4130A>T (p.Asp1377Val)

Genes: VCAN (versican; plus strand), VCAN-AS1 (VCAN antisense RNA 1; minus strand). Cytogenetic location: 5q14.3.
Variant type: single nucleotide variant.
Coding change: c.4130A>T on transcript NM_004385.5 (MANE Select); coding-DNA position 4130, A replaced by T.
Protein change: p.Asp1377Val; replaces aspartic acid 1377 with valine.
Molecular consequence: missense variant. On other transcripts: intron variant (2).
Genome position (GRCh38, 1-based): chr5:83,537,133, A>T. VCF-style: chr5-83537133-A-T. GRCh37 (hg19) VCF-style: chr5-82832952-A-T.
Other names: c.1169A>T, p.Asp390Val (NM_001164097.2); c.4004-8404A>T (NM_001164098.2); c.1043-8404A>T (NM_001126336.3); short protein forms D1377V, D390V.
Identifiers: ClinVar variation 2870606 (VCV002870606.3), dbSNP rs566818429, ClinGen allele CA3333128.